The following is an entry in ClinVar:

ClinVar aggregate classification (germline): Uncertain significance (1 of 4 stars; one submission).

Conditions:
Neonatal-onset encephalopathy with rigidity and seizures. Also called: Lethal neonatal spasticity-epileptic encephalopathy syndrome. Identifiers: Orphanet 435845, MedGen C3281029, MONDO:0013784, OMIM 614498.

Submission:

Labcorp Genetics (formerly Invitae), Labcorp
Classification: Uncertain significance for Neonatal-onset encephalopathy with rigidity and seizures. Last evaluated: 2022-11-22. Review status: criteria provided, single submitter. Criteria: Invitae Variant Classification Sherloc (09022015). Collection method: clinical testing. Allele origin: germline.
Comment: In summary, the available evidence is currently insufficient to determine the role of this variant in disease. Therefore, it has been classified as a Variant of Uncertain Significance. Advanced modeling of protein sequence and biophysical properties (such as structural, functional, and spatial information, amino acid conservation, physicochemical variation, residue mobility, and thermodynamic stability) performed at Invitae indicates that this missense variant is expected to disrupt BRAT1 protein function. ClinVar contains an entry for this variant (Variation ID: 1415979). This variant has not been reported in the literature in individuals affected with BRAT1-related conditions. This variant is not present in population databases (gnomAD no frequency). This sequence change replaces proline, which is neutral and non-polar, with glutamine, which is neutral and polar, at codon 608 of the BRAT1 protein (p.Pro608Gln).

NM_152743.4(BRAT1):c.1823C>A (p.Pro608Gln)

Gene: BRAT1 (BRCA1 associated ATM activator 1; minus strand). Cytogenetic location: 7p22.3.
Variant type: single nucleotide variant.
Coding change: c.1823C>A on transcript NM_152743.4 (MANE Select); coding-DNA position 1823, C replaced by A.
Protein change: p.Pro608Gln; replaces proline 608 with glutamine.
Molecular consequence: missense variant. On other transcripts: non-coding transcript variant (1).
Genome position (GRCh38, 1-based): chr7:2,538,712, G>T on the plus strand (C>A on the coding strand, the complement: BRAT1 is on the minus strand). VCF-style: chr7-2538712-G-T. GRCh37 (hg19) VCF-style: chr7-2578346-G-T.
Other names: c.2003C>A, p.Pro668Gln (NM_001350626.2); c.1298C>A, p.Pro433Gln (NM_001350627.2); short protein forms P433Q, P608Q, P668Q.
Identifiers: ClinVar variation 1415979 (VCV001415979.8), dbSNP rs1421976600, ClinGen allele CA366625572.